The following is an entry in ClinVar:

NM_017612.5(ZCCHC8):c.196G>A (p.Glu66Lys)

Gene: ZCCHC8 (zinc finger CCHC-type containing 8; minus strand). Cytogenetic location: 12q24.31.
Variant type: single nucleotide variant.
Coding change: c.196G>A on transcript NM_017612.5 (MANE Select); coding-DNA position 196, G replaced by A.
Protein change: p.Glu66Lys; replaces glutamic acid 66 with lysine.
Molecular consequence: missense variant. On other transcripts: 5 prime UTR variant (3).
Genome position (GRCh38, 1-based): chr12:122,500,645, C>T on the plus strand (G>A on the coding strand, the complement: ZCCHC8 is on the minus strand). VCF-style: chr12-122500645-C-T. GRCh37 (hg19) VCF-style: chr12-122985192-C-T.
Other names: c.196G>A, p.Glu66Lys (NM_001350935.2); c.-728G>A (NM_001350936.2); c.-349G>A (NM_001350937.2); c.-243G>A (NM_001350938.2); short protein forms E66K.
Identifiers: ClinVar variation 1917177 (VCV001917177.8), dbSNP rs868811989, ClinGen allele CA244760531.

ClinVar aggregate classification (germline): Conflicting classifications of pathogenicity. Review status: criteria provided, conflicting classifications (1 of 4 stars). 2 submissions from 2 submitters: Likely pathogenic (1); Uncertain significance (1). Last evaluated 2022-06-24.

Conditions:
Inherited aplastic anemia. Identifiers: Orphanet 68383, MedGen C5681331, MONDO:0001713.

Allele frequency attached by ClinVar (database versions not stated): TOPMed 0.00001; gnomAD exomes 0.00002.
gnomAD v4.1: 33 of 1,569,178 alleles (0.0021%); highest among the groups gnomAD compares: Non-Finnish European, 0.0027%; no homozygotes.

Submissions (2):

Labcorp Genetics (formerly Invitae), Labcorp
Classification: Uncertain significance. Last evaluated: 2022-06-24. Review status: criteria provided, single submitter. Criteria: Invitae Variant Classification Sherloc (09022015). Collection method: clinical testing. Allele origin: germline.
Comment: Algorithms developed to predict the effect of missense changes on protein structure and function are either unavailable or do not agree on the potential impact of this missense change (SIFT: "Deleterious"; PolyPhen-2: "Not Available"; Align-GVGD: "Class C0"). This sequence change replaces glutamic acid, which is acidic and polar, with lysine, which is basic and polar, at codon 66 of the ZCCHC8 protein (p.Glu66Lys). The frequency data for this variant in the population databases is considered unreliable, as metrics indicate poor data quality at this position in the gnomAD database. This variant has not been reported in the literature in individuals affected with ZCCHC8-related conditions. In summary, the available evidence is currently insufficient to determine the role of this variant in disease. Therefore, it has been classified as a Variant of Uncertain Significance.

Bone Marrow Failure laboratory, Queen Mary University London
Classification: Likely pathogenic for Inherited aplastic anemia. Review status: criteria provided, single submitter. Criteria: ACMG Guidelines, 2015. Collection method: research. Allele origin: germline. Affected: yes. Observed: 1 heterozygote.